The following is an entry in ClinVar:

NM_000487.6(ARSA):c.565G>A (p.Val189Met)

Gene: ARSA (arylsulfatase A; minus strand). Cytogenetic location: 22q13.33.
Variant type: single nucleotide variant.
Coding change: c.565G>A on transcript NM_000487.6 (MANE Select); coding-DNA position 565, G replaced by A.
Protein change: p.Val189Met; replaces valine 189 with methionine.
Molecular consequence: missense variant.
Genome position (GRCh38, 1-based): chr22:50,626,953, C>T on the plus strand (G>A on the coding strand, the complement: ARSA is on the minus strand). VCF-style: chr22-50626953-C-T. GRCh37 (hg19) VCF-style: chr22-51065381-C-T.
Other names: NP_000478.3:p.(Val189Met); c.565G>A, p.Val189Met (NM_001085425.3, NM_001085426.3, NM_001085427.3); c.307G>A, p.Val103Met (NM_001085428.3, NM_001362782.2); c.565G>A (NM_000487.5); short protein forms V103M, V189M.
Identifiers: ClinVar variation 2168002 (VCV002168002.8), dbSNP rs774085931, ClinGen allele CA10324979.
Genomic context (GRCh38, chr22:50,626,953, plus strand): 5'-CATGGGCGAAAGCCATGTAGCGGGCCTCTAGTCCGGGCAGCCAGGGGGGCTGCGCCTCCA[C>T]GGACAGGTTGGCCAACAGTGGGATGGGGACCAGGCCCTGGTCACAGCCACCGTCGCAAGG-3'
Protein context (NP_000478.3, residues 179-199): VPIPLLANLS[Val189Met]EAQPPWLPGL

ClinVar aggregate classification (germline): Uncertain significance. Review status: criteria provided, multiple submitters, no conflicts (2 of 4 stars). 4 submissions from 4 submitters: Uncertain significance (4). Last evaluated 2026-09-17.

Conditions:
Metachromatic leukodystrophy (MLD). Also called: SULFATIDE LIPIDOSIS; ARSA DEFICIENCY; CEREBROSIDE SULFATASE DEFICIENCY; Arylsulfatase A Deficiency; Cerebral sclerosis diffuse metachromatic form; METACHROMATIC LEUKOENCEPHALOPATHY. Identifiers: Orphanet 512, MedGen C0023522, MONDO:0018868, OMIM 250100.
Inborn genetic diseases. Identifiers: MedGen C0950123, MeSH D030342.

Allele frequency attached by ClinVar (database versions not stated): gnomAD 0.00001; gnomAD exomes 0.00001; ExAC 0.00003; TOPMed 0.00004.
gnomAD v4.1: 17 of 1,612,930 alleles (0.0011%); highest among the groups gnomAD compares: East Asian, 0.018%; no homozygotes.

Submissions (4):

Laboratory of Experimental Gene Therapy of Hereditary Metabolic Diseases, Research Centre for Medical Genetics
Classification: Uncertain significance for Metachromatic leukodystrophy. Last evaluated: 2026-09-17. Review status: criteria provided, single submitter. Criteria: ARSA MLD Assertion Criteria V2 2026 09 18. Collection method: clinical testing. Allele origin: germline. Inheritance: Autosomal recessive inheritance. Observed: 3 variant alleles, 2 compound heterozygotes, 1 homozygote.
Comment: Reassessed under ACMG/AMP 2015 with ClinGen SVI refinements and a Bayesian point framework (supporting=1, moderate=2, strong=4, very strong=8; 6-9 points=likely pathogenic; >=10 points=pathogenic). Final score: 0. No qualifying ACMG/AMP evidence criterion was assigned in the study-specific reassessment. Observations from the present referral series were excluded from classification.

Women's Health and Genetics/Laboratory Corporation of America, LabCorp
Classification: Uncertain significance. Last evaluated: 2023-09-20. Review status: criteria provided, single submitter. Criteria: LabCorp Variant Classification Summary - May 2015. Collection method: clinical testing. Allele origin: germline.
Comment: Variant summary: ARSA c.565G>A (p.Val189Met) results in a conservative amino acid change located in the N-terminal domain (IPR000917) of the encoded protein sequence. Four of five in-silico tools predict a damaging effect of the variant on protein function. The variant allele was found at a frequency of 3.6e-05 in 248570 control chromosomes (gnomAD). The available data on variant occurrences in the general population are insufficient to allow any conclusion about variant significance. To our knowledge, no occurrence of c.565G>A in individuals affected with Metachromatic Leukodystrophy and no experimental evidence demonstrating its impact on protein function have been reported. Two submitters have cited clinical-significance assessments for this variant to ClinVar after 2014. All submitters classified the variant as uncertain significance. Based on the evidence outlined above, the variant was classified as uncertain significance.

Ambry Genetics
Classification: Uncertain significance for Inborn genetic diseases. Last evaluated: 2023-05-18. Review status: criteria provided, single submitter. Criteria: Ambry Variant Classification Scheme 2023. Collection method: clinical testing. Allele origin: germline.

Labcorp Genetics (formerly Invitae), Labcorp
Classification: Uncertain significance for Metachromatic leukodystrophy. Last evaluated: 2022-06-19. Review status: criteria provided, single submitter. Criteria: Invitae Variant Classification Sherloc (09022015). Collection method: clinical testing. Allele origin: germline.
Comment: This sequence change replaces valine, which is neutral and non-polar, with methionine, which is neutral and non-polar, at codon 189 of the ARSA protein (p.Val189Met). This variant is present in population databases (rs774085931, gnomAD 0.03%). This variant has not been reported in the literature in individuals affected with ARSA-related conditions. Algorithms developed to predict the effect of missense changes on protein structure and function are either unavailable or do not agree on the potential impact of this missense change (SIFT: "Deleterious"; PolyPhen-2: "Possibly Damaging"; Align-GVGD: "Class C0"). In summary, the available evidence is currently insufficient to determine the role of this variant in disease. Therefore, it has been classified as a Variant of Uncertain Significance.